The following is an entry in ClinVar:

ClinVar aggregate classification (germline): Uncertain significance (1 of 4 stars; one submission).

Conditions:
Peroxisome biogenesis disorder 9B. Also called: PEROXISOME BIOGENESIS DISORDER, PEX7-RELATED, ATYPICAL; PEX7-Related Refsum Disease; Refsum disease, adult, 2. Identifiers: Orphanet 773, MedGen C2749346, MONDO:0013945, OMIM 614879.

Allele frequency attached by ClinVar (database versions not stated): gnomAD 0.00001.
gnomAD v4.1: 1 of 1,522,674 alleles (0.000066%); highest among the groups gnomAD compares: African/African-American, 0.0014%; no homozygotes.

Submission:

Labcorp Genetics (formerly Invitae), Labcorp
Classification: Uncertain significance for Peroxisome biogenesis disorder 9B. Last evaluated: 2023-11-27. Review status: criteria provided, single submitter. Criteria: Invitae Variant Classification Sherloc (09022015). Collection method: clinical testing. Allele origin: germline.
Comment: This sequence change replaces glycine, which is neutral and non-polar, with alanine, which is neutral and non-polar, at codon 6 of the PEX7 protein (p.Gly6Ala). This variant is not present in population databases (gnomAD no frequency). This variant has not been reported in the literature in individuals affected with PEX7-related conditions. ClinVar contains an entry for this variant (Variation ID: 1063708). An algorithm developed to predict the effect of missense changes on protein structure and function (PolyPhen-2) suggests that this variant¬†is likely to be tolerated. In summary, the available evidence is currently insufficient to determine the role of this variant in disease. Therefore, it has been classified as a Variant of Uncertain Significance.

NM_000288.4(PEX7):c.17G>C (p.Gly6Ala)

Gene: PEX7 (peroxisomal biogenesis factor 7; plus strand). Cytogenetic location: 6q23.3.
Variant type: single nucleotide variant.
Coding change: c.17G>C on transcript NM_000288.4 (MANE Select); coding-DNA position 17, G replaced by C.
Protein change: p.Gly6Ala; replaces glycine 6 with alanine.
Molecular consequence: missense variant.
Genome position (GRCh38, 1-based): chr6:136,822,682, G>C. VCF-style: chr6-136822682-G-C. GRCh37 (hg19) VCF-style: chr6-137143820-G-C.
Other names: short protein forms G6A.
Identifiers: ClinVar variation 1063708 (VCV001063708.8), dbSNP rs1774097181, ClinGen allele CA365855076.